The following is an entry in ClinVar:

ClinVar aggregate classification (germline): Uncertain significance (1 of 4 stars; one submission).

Submission:

Labcorp Genetics (formerly Invitae), Labcorp
Classification: Uncertain significance. Last evaluated: 2024-02-17. Review status: criteria provided, single submitter. Criteria: Invitae Variant Classification Sherloc (09022015). Collection method: clinical testing. Allele origin: germline.
Comment: This sequence change replaces methionine, which is neutral and non-polar, with isoleucine, which is neutral and non-polar, at codon 5 of the RIPK1 protein (p.Met5Ile). This variant is not present in population databases (gnomAD no frequency). This variant has not been reported in the literature in individuals affected with RIPK1-related conditions. Algorithms developed to predict the effect of missense changes on protein structure and function output the following: SIFT: "Not Available"; PolyPhen-2: "Benign"; Align-GVGD: "Not Available". The isoleucine amino acid residue is found in multiple mammalian species, which suggests that this missense change does not adversely affect protein function. In summary, the available evidence is currently insufficient to determine the role of this variant in disease. Therefore, it has been classified as a Variant of Uncertain Significance.

NM_001354930.2(RIPK1):c.15G>A (p.Met5Ile)

Gene: RIPK1 (receptor interacting serine/threonine kinase 1; plus strand). Cytogenetic location: 6p25.2.
Variant type: single nucleotide variant.
Coding change: c.15G>A on transcript NM_001354930.2 (MANE Select); coding-DNA position 15, G replaced by A.
Protein change: p.Met5Ile; replaces methionine 5 with isoleucine.
Molecular consequence: missense variant. On other transcripts: 5 prime UTR variant (4).
Genome position (GRCh38, 1-based): chr6:3,076,838, G>A. VCF-style: chr6-3076838-G-A. GRCh37 (hg19) VCF-style: chr6-3077072-G-A.
Other names: c.-589G>A (NM_001317061.3, NM_001354932.2, NM_001354933.2 and 1 more transcripts); c.15G>A, p.Met5Ile (NM_001354931.2, NM_003804.6); short protein forms M5I.
Identifiers: ClinVar variation 3639510 (VCV003639510.2).